The following is an entry in ClinVar:

ClinVar aggregate classification (germline): Uncertain significance. Review status: criteria provided, multiple submitters, no conflicts (2 of 4 stars). 2 submissions from 2 submitters: Uncertain significance (2). Last evaluated 2025-09-28.

Conditions:
Inborn genetic diseases. Identifiers: MedGen C0950123, MeSH D030342.
Lethal multiple pterygium syndrome (LMPS). Identifiers: Orphanet 33108, MedGen C1854678, MONDO:0009668, OMIM 253290.

gnomAD v4.1: 40 of 1,613,786 alleles (0.0025%); highest among the groups gnomAD compares: Non-Finnish European, 0.0032%; no homozygotes.

Submissions (2):

Ambry Genetics
Classification: Uncertain significance for Inborn genetic diseases. Last evaluated: 2025-09-28. Review status: criteria provided, single submitter. Criteria: Ambry Variant Classification Scheme 2023. Collection method: clinical testing. Allele origin: germline.

Labcorp Genetics (formerly Invitae), Labcorp
Classification: Uncertain significance for Lethal multiple pterygium syndrome. Last evaluated: 2022-09-19. Review status: criteria provided, single submitter. Criteria: Invitae Variant Classification Sherloc (09022015). Collection method: clinical testing. Allele origin: germline.
Comment: In summary, the available evidence is currently insufficient to determine the role of this variant in disease. Therefore, it has been classified as a Variant of Uncertain Significance. Advanced modeling of protein sequence and biophysical properties (such as structural, functional, and spatial information, amino acid conservation, physicochemical variation, residue mobility, and thermodynamic stability) performed at Invitae indicates that this missense variant is not expected to disrupt CHRNA1 protein function. ClinVar contains an entry for this variant (Variation ID: 654948). This variant has not been reported in the literature in individuals affected with CHRNA1-related conditions. This variant is not present in population databases (gnomAD no frequency). This sequence change replaces aspartic acid, which is acidic and polar, with alanine, which is neutral and non-polar, at codon 183 of the CHRNA1 protein (p.Asp183Ala).

NM_000079.4(CHRNA1):c.548A>C (p.Asp183Ala)

Gene: CHRNA1 (cholinergic receptor nicotinic alpha 1 subunit; minus strand). Cytogenetic location: 2q31.1.
Variant type: single nucleotide variant.
Coding change: c.548A>C on transcript NM_000079.4 (MANE Select); coding-DNA position 548, A replaced by C.
Protein change: p.Asp183Ala; replaces aspartic acid 183 with alanine.
Molecular consequence: missense variant.
Genome position (GRCh38, 1-based): chr2:174,753,733, T>G on the plus strand (A>C on the coding strand, the complement: CHRNA1 is on the minus strand). VCF-style: chr2-174753733-T-G. GRCh37 (hg19) VCF-style: chr2-175618461-T-G.
Other names: c.623A>C, p.Asp208Ala (NM_001039523.3); short protein forms D183A, D208A.
Identifiers: ClinVar variation 654948 (VCV000654948.11), dbSNP rs1444098674, ClinGen allele CA349340557.